The following is an entry in ClinVar:

NM_001330260.2(SCN8A):c.1833G>T (p.Arg611=)

Gene: SCN8A (sodium voltage-gated channel alpha subunit 8; plus strand). Cytogenetic location: 12q13.13.
Variant type: single nucleotide variant.
Coding change: c.1833G>T on transcript NM_001330260.2 (MANE Select); coding-DNA position 1833, G replaced by T.
Protein change: p.Arg611=; no amino-acid change (arginine 611 retained).
Molecular consequence: synonymous variant.
Genome position (GRCh38, 1-based): chr12:51,721,743, G>T. VCF-style: chr12-51721743-G-T. GRCh37 (hg19) VCF-style: chr12-52115527-G-T.
Other names: p.R611R:CGG>CGT; p.Arg611=; c.1833G>T, p.Arg611= (NM_001177984.3, NM_001369788.1, NM_014191.4).
Identifiers: ClinVar variation 130242 (VCV000130242.27), dbSNP rs35242963, ClinGen allele CA289032.

ClinVar aggregate classification (germline): Benign. Review status: criteria provided, multiple submitters, no conflicts (2 of 4 stars). 8 submissions from 8 submitters: Benign (7). 1 of the submissions does not count toward it. Last evaluated 2026-02-03.

Conditions:
Early-infantile DEE. Also called: Ohtahara syndrome; Early infantile epileptic encephalopathy with suppression bursts; Early infantile epileptic encephalopathy. Identifiers: Orphanet 1934, MedGen C0393706, MONDO:0800491.
Developmental and epileptic encephalopathy, 13 (DEE13). Also called: Early infantile epileptic encephalopathy 13; Developmental and Epileptic Encephalopathy (SCN8A-DEE); SCN8A-Related Epilepsy. Identifiers: Orphanet 442835, MedGen C3281191, MONDO:0013801, OMIM 614558.
Cognitive impairment with or without cerebellar ataxia (CIAT). Identifiers: MedGen C3280415, MONDO:0013680, OMIM 614306.
Seizures, benign familial infantile, 5 (BFIS5). Also called: CONVULSIONS, BENIGN FAMILIAL INFANTILE, 5. Identifiers: Orphanet 306, MedGen C4310728, MONDO:0014903, OMIM 617080.
Myoclonus, familial, 2. Identifiers: MedGen C5193056, MONDO:0100092, OMIM 618364.
Inborn genetic diseases. Identifiers: MedGen C0950123, MeSH D030342.

Allele frequency attached by ClinVar (database versions not stated): gnomAD exomes 0.00138 and 0.00319; gnomAD 0.01324 and 0.01438; 1000 Genomes Project 30x 0.01530; ExAC 0.00542; ESP Exome Variant Server 0.01095; 1000 Genomes Project 0.01378; TOPMed 0.01523.
gnomAD v4.1: 4,074 of 1,607,236 alleles (0.25%); highest among the groups gnomAD compares: African/African-American, 4.8%; 81 homozygotes.

Submissions (8):

Labcorp Genetics (formerly Invitae), Labcorp
Classification: Benign for Early-infantile DEE. Last evaluated: 2026-02-03. Review status: criteria provided, single submitter. Criteria: Invitae Variant Classification Sherloc (09022015). Collection method: clinical testing. Allele origin: germline.

Mayo Clinic Laboratories, Mayo Clinic
Classification: Benign. Last evaluated: 2025-03-18. Review status: criteria provided, single submitter. Criteria: ACMG Guidelines, 2015. Collection method: clinical testing. Allele origin: germline. Observed: 13 variant alleles.
Comment: BA1

Fulgent Genetics
Classification: Benign for Cognitive impairment with or without cerebellar ataxia; Developmental and epileptic encephalopathy, 13; Seizures, benign familial infantile, 5; Myoclonus, familial, 2. Last evaluated: 2021-10-29. Review status: criteria provided, single submitter. Criteria: ACMG Guidelines, 2015. Collection method: clinical testing. Allele origin: unknown.

Ambry Genetics
Classification: Benign for Inborn genetic diseases. Last evaluated: 2016-06-27. Review status: criteria provided, single submitter. Criteria: Ambry Variant Classification Scheme 2023. Collection method: clinical testing. Allele origin: germline.

Eurofins Ntd Llc (ga)
Classification: Benign. Last evaluated: 2014-11-25. Review status: criteria provided, single submitter. Criteria: EGL Classification Definitions 2015. Collection method: clinical testing. Allele origin: germline. Observed: 1 variant allele, 1 heterozygote.

GeneDx
Classification: Benign. Last evaluated: 2013-12-01. Review status: criteria provided, single submitter. Criteria: GeneDx Variant Classification (06012015). Collection method: clinical testing. Allele origin: germline. Affected: yes.
Comment: This variant is considered likely benign or benign based on one or more of the following criteria: it is a conservative change, it occurs at a poorly conserved position in the protein, it is predicted to be benign by multiple in silico algorithms, and/or has population frequency not consistent with disease.

Breakthrough Genomics
Classification: Benign. Review status: criteria provided, single submitter. Criteria: ACMG Guidelines, 2015. Collection method: not provided. Allele origin: germline. Inheritance: Autosomal dominant inheritance. Affected: yes.

Genetic Services Laboratory, University of Chicago
Classification: Likely benign for AllHighlyPenetrant. Review status: no assertion criteria provided. Collection method: clinical testing. Allele origin: germline. Inheritance: Autosomal dominant inheritance. Not counted in ClinVar's aggregate classification.
Comment: Likely benign based on allele frequency in 1000 Genomes Project or ESP global frequency and its presence in a patient with a rare or unrelated disease phenotype. NOT Sanger confirmed.